The following is an entry in ClinVar:

NM_000303.3(PMM2):c.549T>G (p.Phe183Leu)

Gene: PMM2 (phosphomannomutase 2; plus strand). Cytogenetic location: 16p13.2.
Variant type: single nucleotide variant.
Coding change: c.549T>G on transcript NM_000303.3 (MANE Select); coding-DNA position 549, T replaced by G.
Protein change: p.Phe183Leu; replaces phenylalanine 183 with leucine.
Molecular consequence: missense variant.
Genome position (GRCh38, 1-based): chr16:8,813,016, T>G. VCF-style: chr16-8813016-T-G. GRCh37 (hg19) VCF-style: chr16-8906873-T-G.
Other names: short protein forms F183L.
Identifiers: ClinVar variation 3664783 (VCV003664783.2).

ClinVar aggregate classification (germline): Likely pathogenic (1 of 4 stars; one submission).

Conditions:
PMM2-congenital disorder of glycosylation. Also called: CDG Ia; JAEKEN SYNDROME; PHOSPHOMANNOMUTASE 2 DEFICIENCY; CARBOHYDRATE-DEFICIENT GLYCOPROTEIN SYNDROME, TYPE Ia; Congenital disorder of glycosylation, type Ia; PMM2-CDG. Identifiers: Orphanet 79318, MedGen C0349653, MONDO:0008907, OMIM 212065.

Submission:

Labcorp Genetics (formerly Invitae), Labcorp
Classification: Likely pathogenic for PMM2-congenital disorder of glycosylation. Last evaluated: 2024-09-19. Review status: criteria provided, single submitter. Criteria: Invitae Variant Classification Sherloc (09022015). Collection method: clinical testing. Allele origin: germline.
Comment: This sequence change replaces phenylalanine, which is neutral and non-polar, with leucine, which is neutral and non-polar, at codon 183 of the PMM2 protein (p.Phe183Leu). This variant is not present in population databases (gnomAD no frequency). This variant has not been reported in the literature in individuals affected with PMM2-related conditions. Invitae Evidence Modeling of protein sequence and biophysical properties (such as structural, functional, and spatial information, amino acid conservation, physicochemical variation, residue mobility, and thermodynamic stability) indicates that this missense variant is expected to disrupt PMM2 protein function with a positive predictive value of 95%. This variant disrupts the p.Phe183 amino acid residue in PMM2. Other variant(s) that disrupt this residue have been determined to be pathogenic (PMID: 10801058, 11409861, 21541725; internal data). This suggests that this residue is clinically significant, and that variants that disrupt this residue are likely to be disease-causing. In summary, the currently available evidence indicates that the variant is pathogenic, but additional data are needed to prove that conclusively. Therefore, this variant has been classified as Likely Pathogenic.

Literature cited by the submitters: PubMed 10801058; PubMed 11409861; PubMed 21541725.